The following is an entry in ClinVar:

ClinVar aggregate classification (germline): Likely pathogenic. Review status: criteria provided, single submitter (1 of 4 stars). 2 submissions from 2 submitters: Likely pathogenic (1). 1 of the submissions does not count toward it. Last evaluated 2015-11-05.

Conditions:
Pyruvate dehydrogenase E1-alpha deficiency (PDHAD). Also called: ATAXIA, INTERMITTENT, WITH PYRUVATE DEHYDROGENASE DEFICIENCY; ATAXIA WITH LACTIC ACIDOSIS I; ATAXIA, INTERMITTENT, WITH ABNORMAL PYRUVATE METABOLISM; Ataxia, intermittent, with pyruvate dehydrogenase, or decarboxylase, deficiency. Identifiers: Orphanet 79243, MedGen C1839413, MONDO:0010717, OMIM 312170.

Submissions (2):

Eurofins Ntd Llc (ga)
Classification: Likely pathogenic. Last evaluated: 2015-11-05. Review status: criteria provided, single submitter. Criteria: EGL Classification Definitions 2015. Collection method: clinical testing. Allele origin: germline. Observed: 1 variant allele, 1 heterozygote.

PDHA1 Study Group, University Children’s Hospital, Paracelsus Medical University
Classification: Pathogenic for Pyruvate dehydrogenase E1-alpha deficiency. Last evaluated: 2024-10-15. Review status: no assertion criteria provided. Collection method: research. Allele origin: de novo. Affected: yes. Observed: 2 variant alleles. Not counted in ClinVar's aggregate classification.
Comment: The NM_000284.3:c.640T>C (p.Trp214Arg) substitution is a missense variant in PDHA1 gene. In total, 2 individuals were diagnosed with PDHA1-related Pyruvate dehydrogenase complex (PDHc) deficiency (MIM #312170). Among them, 1 case had confirmed de novo occurrence. The variant has been reported in 2 published cases (PMIDs: 10402601, 10679936). Last literature search: July 12, 2024. This variant is absent or extremely rare in population-based cohorts in the Genome Aggregation Database (gnomAD). Individuals harboring this variant presented with clinical features compatible with PDHA1-related PDHc deficiency. In summary, this variant meets criteria to be classified as pathogenic (P) for PDHA1-related PDHc deficiency based on the ACMG/AMP criteria applied: PS3, PM1, PM2, PM7, PP3 (last assessment October 15, 2024).

Literature cited by the submitters: PubMed 10402601 (cited by PDHA1 Study Group, University Children’s Hospital, Paracelsus Medical University); PubMed 10679936 (cited by PDHA1 Study Group, University Children’s Hospital, Paracelsus Medical University); DOI 10.1093/brain/awaf430 (cited by PDHA1 Study Group, University Children’s Hospital, Paracelsus Medical University).

NM_000284.4(PDHA1):c.640T>C (p.Trp214Arg)

Gene: PDHA1 (pyruvate dehydrogenase E1 subunit alpha 1; plus strand). Cytogenetic location: Xp22.12.
Variant type: single nucleotide variant.
Coding change: c.640T>C on transcript NM_000284.4 (MANE Select); coding-DNA position 640, T replaced by C.
Protein change: p.Trp214Arg; replaces tryptophan 214 with arginine.
Molecular consequence: missense variant.
Genome position (GRCh38, 1-based): chrX:19,355,385, T>C. VCF-style: chrX-19355385-T-C. GRCh37 (hg19) VCF-style: chrX-19373503-T-C.
Other names: c.754T>C, p.Trp252Arg (NM_001173454.2); c.661T>C, p.Trp221Arg (NM_001173455.2); c.547T>C, p.Trp183Arg (NM_001173456.2); c.640T>C (NM_000284.3); short protein forms W214R, W221R, W252R, W183R.
Identifiers: ClinVar variation 281060 (VCV000281060.6), dbSNP rs886042089, ClinGen allele CA10603797.